The following is an entry in ClinVar:

ClinVar aggregate classification (germline): Uncertain significance (1 of 4 stars; one submission).

Conditions:
Brain small vessel disease 1 with or without ocular anomalies (BSVD1). Also called: PORENCEPHALY, TYPE 1, AUTOSOMAL DOMINANT; GOULD SYNDROME 1; BRAIN SMALL VESSEL DISEASE WITH HEMORRHAGE; Brain small vessel disease with or without ocular anomalies. Identifiers: Orphanet 2940, Orphanet 36383, Orphanet 99810, MedGen C4755307, MONDO:0008289, OMIM 175780.

Submission:

3billion
Classification: Uncertain significance for Brain small vessel disease 1 with or without ocular anomalies. Last evaluated: 2025-08-01. Review status: criteria provided, single submitter. Criteria: ACMG Guidelines, 2015. Collection method: clinical testing. Allele origin: germline. Affected: yes.
Comment: The variant is not observed in the gnomAD v4.1.0 dataset. Predicted Consequence/Location: Intron variant In silico tools predict the variant to alter splicing and produce an abnormal transcript [SpliceAI: 0.37 (>=0.2, moderate evidence for spliceogenicity)]. Therefore, this variant is classified as VUS according to the recommendation of ACMG/AMP guideline.

NM_001845.6(COL4A1):c.2870-27A>G

Gene: COL4A1 (collagen type IV alpha 1 chain; minus strand). Cytogenetic location: 13q34.
Variant type: single nucleotide variant.
Coding change: c.2870-27A>G on transcript NM_001845.6 (MANE Select); 27 bases into the intron before coding-DNA position 2870, A replaced by G.
Molecular consequence: intron variant.
Genome position (GRCh38, 1-based): chr13:110,176,751, T>C on the plus strand (A>G on the coding strand, the complement: COL4A1 is on the minus strand). VCF-style: chr13-110176751-T-C. GRCh37 (hg19) VCF-style: chr13-110829098-T-C.
Identifiers: ClinVar variation 4855400 (VCV004855400.1).